The following is an entry in ClinVar:

NM_000535.7(PMS2):c.584C>A (p.Ser195Ter)

Gene: PMS2 (PMS1 homolog 2, mismatch repair system component; minus strand). Cytogenetic location: 7p22.1.
Variant type: single nucleotide variant.
Coding change: c.584C>A on transcript NM_000535.7 (MANE Select); coding-DNA position 584, C replaced by A.
Protein change: p.Ser195Ter; replaces serine 195 with a stop codon.
Molecular consequence: nonsense. On other transcripts: non-coding transcript variant (1), intron variant (9).
Genome position (GRCh38, 1-based): chr7:5,999,229, G>T on the plus strand (C>A on the coding strand, the complement: PMS2 is on the minus strand). VCF-style: chr7-5999229-G-T. GRCh37 (hg19) VCF-style: chr7-6038860-G-T.
Other names: c.179C>A, p.Ser60Ter (NM_001018040.1, NM_001322003.2, NM_001322004.2 and 22 more transcripts); c.584C>A, p.Ser195Ter (NM_001322006.2, NM_001322014.2, NM_001406869.1 and 5 more transcripts); c.266C>A, p.Ser89Ter (NM_001322007.2, NM_001322008.2, NM_001406876.1 and 4 more transcripts); c.275C>A, p.Ser92Ter (NM_001322015.2, NM_001406875.1, NM_001406877.1 and 6 more transcripts); c.770C>A, p.Ser257Ter (NM_001406866.1); c.608C>A, p.Ser203Ter (NM_001406868.1); c.132+3224C>A (NM_001406911.1); c.133-1806C>A (NM_001322013.2, NM_001406909.1); and 4 more; short protein forms S195*, S203*, S257*, S60*, S89*, S92*.
Identifiers: ClinVar variation 2674223 (VCV002674223.5), dbSNP rs2128801488, ClinGen allele CA366744038.
Genomic context (GRCh38, chr7:5,999,229, plus strand): 5'-ACCACAGGCTGTCGTTTTCCTTGTCCAAGCTGATTGGTGCAACTTACACGGATGCCTGCT[G>T]AAATGATACAGTATGCATGTAAGACCTGGACCATTTTGGCATACTCCTGTTTAAAAAACA-3'

ClinVar aggregate classification (germline): Pathogenic. Review status: criteria provided, multiple submitters, no conflicts (2 of 4 stars). 3 submissions from 3 submitters: Pathogenic (3). Last evaluated 2026-04-28.

Conditions:
Inherited MMR deficiency (Lynch syndrome).
Hereditary nonpolyposis colorectal neoplasms. Identifiers: MedGen C0009405, MeSH D003123.
Lynch syndrome 4 (LYNCH4). Also called: Hereditary non-polyposis colorectal cancer, type 4; Colorectal cancer, hereditary nonpolyposis, type 4. Identifiers: Orphanet 144, MedGen C1838333, MONDO:0013699, OMIM 614337. Disease mechanism: loss of function.

gnomAD v4.1: 3 of 1,614,116 alleles (0.00019%); highest among the groups gnomAD compares: Non-Finnish European, 0.00025%; no homozygotes.

Submissions (3):

Genomics and Molecular Medicine Service, East Genomic Laboratory Hub, NHS Genomic Medicine Service
Classification: Pathogenic for Inherited MMR deficiency (Lynch syndrome). Last evaluated: 2026-04-28. Review status: criteria provided, single submitter. Criteria: ACGS Best Practice Guidelines for Variant Classification in Rare Disease 2020. Collection method: clinical testing. Allele origin: germline. Affected: yes.
Comment: PVS1,PM2_Supporting,PP3

Myriad Genetics, Inc.
Classification: Pathogenic for Lynch syndrome 4. Last evaluated: 2023-09-19. Review status: criteria provided, single submitter. Criteria: Myriad Autosomal Dominant, Autosomal Recessive and X-Linked Classification Criteria (2023). Collection method: clinical testing. Allele origin: unknown.
Comment: This variant is considered pathogenic. This variant creates a termination codon and is predicted to result in premature protein truncation.

Labcorp Genetics (formerly Invitae), Labcorp
Classification: Pathogenic for Hereditary nonpolyposis colorectal neoplasms. Last evaluated: 2023-08-25. Review status: criteria provided, single submitter. Criteria: Invitae Variant Classification Sherloc (09022015). Collection method: clinical testing. Allele origin: germline.
Comment: For these reasons, this variant has been classified as Pathogenic. Algorithms developed to predict the effect of sequence changes on RNA splicing suggest that this variant may disrupt the consensus splice site. This variant has not been reported in the literature in individuals affected with PMS2-related conditions. This variant is not present in population databases (gnomAD no frequency). This sequence change creates a premature translational stop signal (p.Ser195*) in the PMS2 gene. It is expected to result in an absent or disrupted protein product. Loss-of-function variants in PMS2 are known to be pathogenic (PMID: 21376568, 24362816).

Literature cited by the submitters: PubMed 21376568 (cited by Labcorp Genetics (formerly Invitae), Labcorp); PubMed 24362816 (cited by Labcorp Genetics (formerly Invitae), Labcorp).